The following is an entry in ClinVar:

ClinVar aggregate classification (germline): Conflicting classifications of pathogenicity. Review status: criteria provided, conflicting classifications (1 of 4 stars). 3 submissions from 3 submitters: Uncertain significance (2); Likely benign (1). Last evaluated 2024-09-20.

Conditions:
Inborn genetic diseases. Identifiers: MedGen C0950123, MeSH D030342.
ADNP-related multiple congenital anomalies - intellectual disability - autism spectrum disorder. Also called: Helsmoortel-Van der Aa Syndrome; ADNP-Related Helsmoortel-Van der Aa Syndrome. Identifiers: Orphanet 404448, MedGen C4014538, MONDO:0014379, OMIM 615873. Disease mechanism: loss of function.

Submissions (3):

3billion
Classification: Likely benign for ADNP-related multiple congenital anomalies - intellectual disability - autism spectrum disorder. Last evaluated: 2024-09-20. Review status: criteria provided, single submitter. Criteria: ACMG Guidelines, 2015. Collection method: clinical testing. Allele origin: germline. Affected: no.
Comment: The variant was identified in at least one patient who was diagnosed with a different variant in another gene and showed no symptoms related to the gene containing the variant in question.

Greenwood Genetic Center Diagnostic Laboratories, Greenwood Genetic Center
Classification: Uncertain significance. Last evaluated: 2024-07-09. Review status: criteria provided, single submitter. Criteria: ACMG Guidelines, 2015. Collection method: clinical testing. Allele origin: germline. Affected: yes.
Comment: PM2

Ambry Genetics
Classification: Uncertain significance for Inborn genetic diseases. Last evaluated: 2017-05-05. Review status: criteria provided, single submitter. Criteria: Ambry Variant Classification Scheme 2023. Collection method: clinical testing. Allele origin: germline.
Comment: The p.E242K variant (also known as c.724G>A), located in coding exon 3 of the ADNP gene, results from a G to A substitution at nucleotide position 724. The glutamic acid at codon 242 is replaced by lysine, an amino acid with similar properties. This amino acid position is highly conserved in available vertebrate species. In addition, this alteration is predicted to be deleterious by in silico analysis. Since supporting evidence is limited at this time, the clinical significance of this variant remains unclear.

NM_001282531.3(ADNP):c.724G>A (p.Glu242Lys)

Gene: ADNP (activity dependent neuroprotector homeobox; minus strand). Cytogenetic location: 20q13.13.
Variant type: single nucleotide variant.
Coding change: c.724G>A on transcript NM_001282531.3 (MANE Select); coding-DNA position 724, G replaced by A.
Protein change: p.Glu242Lys; replaces glutamic acid 242 with lysine.
Molecular consequence: missense variant.
Genome position (GRCh38, 1-based): chr20:50,893,990, C>T on the plus strand (G>A on the coding strand, the complement: ADNP is on the minus strand). VCF-style: chr20-50893990-C-T. GRCh37 (hg19) VCF-style: chr20-49510527-C-T.
Other names: c.724G>A, p.Glu242Lys (NM_001282532.2, NM_001347511.2, NM_015339.5 and 1 more transcripts); short protein forms E242K.
Identifiers: ClinVar variation 589090 (VCV000589090.7), dbSNP rs1568710507, ClinGen allele CA408976434.